The following is an entry in ClinVar:

ClinVar aggregate classification (germline): Uncertain significance (1 of 4 stars; one submission).

gnomAD v4.1: 1 of 1,614,146 alleles (0.000062%); highest among the groups gnomAD compares: Non-Finnish European, 0.000085%; no homozygotes.

Submission:

Women's Health and Genetics/Laboratory Corporation of America, LabCorp
Classification: Uncertain significance. Last evaluated: 2024-05-29. Review status: criteria provided, single submitter. Criteria: LabCorp Variant Classification Summary - May 2015. Collection method: clinical testing. Allele origin: germline.
Comment: Variant summary: F11 c.126C>A (p.Ser42Arg) results in a non-conservative amino acid change located in the apple domain (IPR000177) of the encoded protein sequence. Four of five in-silico tools predict a damaging effect of the variant on protein function. The variant was absent in 251468 control chromosomes. The available data on variant occurrences in the general population are insufficient to allow any conclusion about variant significance. To our knowledge, no occurrence of c.126C>A in individuals affected with Hereditary factor XI deficiency disease and no experimental evidence demonstrating its impact on protein function have been reported. No submitters have cited clinical-significance assessments for this variant to ClinVar. Based on the evidence outlined above, the variant was classified as uncertain significance.

NM_000128.4(F11):c.126C>A (p.Ser42Arg)

Gene: F11 (coagulation factor XI; plus strand). Cytogenetic location: 4q35.2.
Variant type: single nucleotide variant.
Coding change: c.126C>A on transcript NM_000128.4 (MANE Select); coding-DNA position 126, C replaced by A.
Protein change: p.Ser42Arg; replaces serine 42 with arginine.
Molecular consequence: missense variant.
Genome position (GRCh38, 1-based): chr4:186,271,679, C>A. VCF-style: chr4-186271679-C-A. GRCh37 (hg19) VCF-style: chr4-187192833-C-A.
Other names: c.126C>A, p.Ser42Arg (NM_001354804.2); short protein forms S42R.
Identifiers: ClinVar variation 3336310 (VCV003336310.1).